The following is an entry in ClinVar:

NM_000069.3(CACNA1S):c.4669-14T>C

Gene: CACNA1S (calcium voltage-gated channel subunit alpha1 S; minus strand). Cytogenetic location: 1q32.1.
Variant type: single nucleotide variant.
Coding change: c.4669-14T>C on transcript NM_000069.3 (MANE Select); 14 bases into the intron before coding-DNA position 4669, T replaced by C.
Molecular consequence: intron variant.
Genome position (GRCh38, 1-based): chr1:201,044,470, A>G on the plus strand (T>C on the coding strand, the complement: CACNA1S is on the minus strand). VCF-style: chr1-201044470-A-G. GRCh37 (hg19) VCF-style: chr1-201013598-A-G.
Identifiers: ClinVar variation 3070880 (VCV003070880.1), dbSNP rs1312473987, ClinGen allele CA528312694.

ClinVar aggregate classification (germline): Likely benign (1 of 4 stars; one submission).

Conditions:
Malignant hyperthermia, susceptibility to, 5 (MHS5). Also called: CACNA1S-Related Malignant Hyperthermia Susceptibility. Identifiers: Orphanet 423, MedGen C1866077, MONDO:0011163, OMIM 601887.

Allele frequency attached by ClinVar (database versions not stated): gnomAD 0.00001; TOPMed 0.00001.
gnomAD v4.1: 2 of 1,610,444 alleles (0.00012%); highest among the groups gnomAD compares: Admixed American, 0.0033%; no homozygotes.

Submission:

All of Us Research Program, National Institutes of Health
Classification: Likely benign for Malignant hyperthermia, susceptibility to, 5. Last evaluated: 2023-05-04. Review status: criteria provided, single submitter. Criteria: ACMG Guidelines, 2015. Collection method: clinical testing. Allele origin: germline. Inheritance: Autosomal dominant inheritance. Observed: 1 variant allele, 1 heterozygote.
Comment: This study involves interpretation of variants in research participants for the purpose of population health screening. Participant phenotype was not available at the time of variant classification. Additional details can be found in publication PMID: 35346344, PMCID: PMC8962531